The following is an entry in ClinVar:

ClinVar aggregate classification (germline): Uncertain significance. Review status: criteria provided, multiple submitters, no conflicts (2 of 4 stars). 2 submissions from 2 submitters: Uncertain significance (2). Last evaluated 2025-12-17.

Conditions:
Inborn genetic diseases. Identifiers: MedGen C0950123, MeSH D030342.
Dyskeratosis congenita, autosomal recessive 5 (DKCB5). Identifiers: MedGen C3554656, MONDO:0014076, OMIM 615190.
Pulmonary fibrosis and/or bone marrow failure, Telomere-related, 3. Also called: PULMONARY FIBROSIS AND/OR BONE MARROW FAILURE SYNDROME, TELOMERE-RELATED, 3. Identifiers: Orphanet 2032, MedGen C4225346, MONDO:0014613, OMIM 616373.

Allele frequency attached by ClinVar (database versions not stated): gnomAD exomes below 0.00001; gnomAD 0.00001; TOPMed 0.00001.
gnomAD v4.1: 4 of 1,612,198 alleles (0.00025%); highest among the groups gnomAD compares: Non-Finnish European, 0.00025%; no homozygotes.

Submissions (2):

Labcorp Genetics (formerly Invitae), Labcorp
Classification: Uncertain significance for Dyskeratosis congenita, autosomal recessive 5; Pulmonary fibrosis and/or bone marrow failure, Telomere-related, 3. Last evaluated: 2025-12-17. Review status: criteria provided, single submitter. Criteria: Invitae Variant Classification Sherloc (09022015). Collection method: clinical testing. Allele origin: germline.
Comment: This sequence change replaces threonine, which is neutral and polar, with serine, which is neutral and polar, at codon 1131 of the RTEL1 protein (p.Thr1131Ser). This variant is present in population databases (no rsID available, gnomAD 0.002%). This variant has not been reported in the literature in individuals affected with RTEL1-related conditions. ClinVar contains an entry for this variant (Variation ID: 1036171). An algorithm developed to predict the effect of missense changes on protein structure and function (PolyPhen-2) suggests that this variant is likely to be tolerated. In summary, the available evidence is currently insufficient to determine the role of this variant in disease. Therefore, it has been classified as a Variant of Uncertain Significance.

Ambry Genetics
Classification: Uncertain significance for Inborn genetic diseases. Last evaluated: 2025-01-27. Review status: criteria provided, single submitter. Criteria: Ambry Variant Classification Scheme 2023. Collection method: clinical testing. Allele origin: germline.
Comment: The p.T1131S variant (also known as c.3391A>T), located in coding exon 32 of the RTEL1 gene, results from an A to T substitution at nucleotide position 3391. The threonine at codon 1131 is replaced by serine, an amino acid with similar properties. This amino acid position is conserved. In addition, this alteration is predicted to be tolerated by in silico analysis. Based on the available evidence, the clinical significance of this variant remains unclear.

NM_001283009.2(RTEL1):c.3391A>T (p.Thr1131Ser)

Genes: RTEL1 (regulator of telomere elongation helicase 1; plus strand), RTEL1-TNFRSF6B (RTEL1-TNFRSF6B readthrough (NMD candidate); plus strand). Cytogenetic location: 20q13.33.
Variant type: single nucleotide variant.
Coding change: c.3391A>T on transcript NM_001283009.2 (MANE Select); coding-DNA position 3391, A replaced by T.
Protein change: p.Thr1131Ser; replaces threonine 1131 with serine.
Molecular consequence: missense variant. On other transcripts: non-coding transcript variant (1).
Genome position (GRCh38, 1-based): chr20:63,695,113, A>T. VCF-style: chr20-63695113-A-T. GRCh37 (hg19) VCF-style: chr20-62326466-A-T.
Other names: c.2722A>T, p.Thr908Ser (NM_001283010.1); c.3391A>T, p.Thr1131Ser (NM_016434.4); c.3463A>T, p.Thr1155Ser (NM_032957.5); short protein forms T1155S, T908S, T1131S.
Identifiers: ClinVar variation 1036171 (VCV001036171.8), dbSNP rs1471853155, ClinGen allele CA409685343.